The following is an entry in ClinVar:

ClinVar aggregate classification (germline): Conflicting classifications of pathogenicity. Review status: criteria provided, conflicting classifications (1 of 4 stars). 4 submissions from 4 submitters: Uncertain significance (3); Likely benign (1). Last evaluated 2026-09-30.

Conditions:
Inborn genetic diseases. Identifiers: MedGen C0950123, MeSH D030342.
LAMA2-related muscular dystrophy (LAMA2-RD). Also called: Laminin alpha 2-related dystrophy. Identifiers: MedGen C5679788, MONDO:0100228.

Allele frequency attached by ClinVar (database versions not stated): gnomAD 0.00009 and 0.00011; TOPMed 0.00009; 1000 Genomes Project 30x 0.00078; ExAC 0.00003; ESP Exome Variant Server 0.00008; 1000 Genomes Project 0.00060.
gnomAD v4.1: 51 of 1,611,122 alleles (0.0032%); highest among the groups gnomAD compares: African/African-American, 0.015%; no homozygotes.

Submissions (4):

GeneDx
Classification: Uncertain significance. Last evaluated: 2026-09-30. Review status: criteria provided, single submitter. Criteria: GeneDx Variant Classification Process June 2021. Collection method: clinical testing. Allele origin: germline.
Comment: In silico analysis supports that this missense variant has a deleterious effect on protein structure/function; Has not been previously published as pathogenic or benign to our knowledge

Ambry Genetics
Classification: Uncertain significance for Inborn genetic diseases. Last evaluated: 2025-09-28. Review status: criteria provided, single submitter. Criteria: Ambry Variant Classification Scheme 2023. Collection method: clinical testing. Allele origin: germline.

Labcorp Genetics (formerly Invitae), Labcorp
Classification: Likely benign for LAMA2-related muscular dystrophy. Last evaluated: 2025-09-10. Review status: criteria provided, single submitter. Criteria: Invitae Variant Classification Sherloc (09022015). Collection method: clinical testing. Allele origin: germline.

Revvity Omics, Revvity
Classification: Uncertain significance. Last evaluated: 2025-04-03. Review status: criteria provided, single submitter. Criteria: ACMG Guidelines, 2015. Collection method: clinical testing. Allele origin: germline.

NM_000426.4(LAMA2):c.7207G>A (p.Asp2403Asn)

Gene: LAMA2 (laminin subunit alpha 2; plus strand). Cytogenetic location: 6q22.33.
Variant type: single nucleotide variant.
Coding change: c.7207G>A on transcript NM_000426.4 (MANE Select); coding-DNA position 7207, G replaced by A.
Protein change: p.Asp2403Asn; replaces aspartic acid 2403 with asparagine.
Molecular consequence: missense variant.
Genome position (GRCh38, 1-based): chr6:129,465,196, G>A. VCF-style: chr6-129465196-G-A. GRCh37 (hg19) VCF-style: chr6-129786341-G-A.
Other names: c.7207G>A, p.Asp2403Asn (NM_001079823.2); short protein forms D2403N.
Identifiers: ClinVar variation 643734 (VCV000643734.12), dbSNP rs141476898, ClinGen allele CA3994484.